The following is an entry in ClinVar:

NM_020461.4(TUBGCP6):c.5402C>T (p.Pro1801Leu)

Gene: TUBGCP6 (tubulin gamma complex component 6; minus strand). Cytogenetic location: 22q13.33.
Variant type: single nucleotide variant.
Coding change: c.5402C>T on transcript NM_020461.4 (MANE Select); coding-DNA position 5402, C replaced by T.
Protein change: p.Pro1801Leu; replaces proline 1801 with leucine.
Molecular consequence: missense variant.
Genome position (GRCh38, 1-based): chr22:50,217,794, G>A on the plus strand (C>T on the coding strand, the complement: TUBGCP6 is on the minus strand). VCF-style: chr22-50217794-G-A. GRCh37 (hg19) VCF-style: chr22-50656223-G-A.
Other names: short protein forms P1801L.
Identifiers: ClinVar variation 959403 (VCV000959403.8), dbSNP rs373541807, ClinGen allele CA10307014.
Genomic context (GRCh38, chr22:50,217,794, plus strand): 5'-CCTCAGGCGTCCTGGTAGTAGTTGTTGAAGTTGATGCGCAGCAGAAAGTCCTCCAGGTGG[G>A]GCTGGTAGCCGCGGTTCACCAGCTTGGTCACCACTGGGGACCAGCGAGCAGCTCAGGCTT-3'
Protein context (NP_065194.3, residues 1791-1811): VTKLVNRGYQ[Pro1801Leu]HLEDFLLRIN

ClinVar aggregate classification (germline): Uncertain significance. Review status: criteria provided, multiple submitters, no conflicts (2 of 4 stars). 2 submissions from 2 submitters: Uncertain significance (2). Last evaluated 2023-05-23.

Conditions:
Inborn genetic diseases. Identifiers: MedGen C0950123, MeSH D030342.

Allele frequency attached by ClinVar (database versions not stated): gnomAD 0.00001; gnomAD exomes 0.00001 and 0.00002; TOPMed 0.00001; ExAC 0.00002; ESP Exome Variant Server 0.00008.
gnomAD v4.1: 11 of 1,613,866 alleles (0.00068%); highest among the groups gnomAD compares: South Asian, 0.0088%; no homozygotes.

Submissions (2):

Ambry Genetics
Classification: Uncertain significance for Inborn genetic diseases. Last evaluated: 2023-05-23. Review status: criteria provided, single submitter. Criteria: Ambry Variant Classification Scheme 2023. Collection method: clinical testing. Allele origin: germline.

Labcorp Genetics (formerly Invitae), Labcorp
Classification: Uncertain significance. Last evaluated: 2022-04-18. Review status: criteria provided, single submitter. Criteria: Invitae Variant Classification Sherloc (09022015). Collection method: clinical testing. Allele origin: germline.
Comment: This sequence change replaces proline, which is neutral and non-polar, with leucine, which is neutral and non-polar, at codon 1801 of the TUBGCP6 protein (p.Pro1801Leu). This variant is present in population databases (rs373541807, gnomAD 0.006%). This variant has not been reported in the literature in individuals affected with TUBGCP6-related conditions. ClinVar contains an entry for this variant (Variation ID: 959403). Algorithms developed to predict the effect of missense changes on protein structure and function are either unavailable or do not agree on the potential impact of this missense change (SIFT: "Deleterious"; PolyPhen-2: "Probably Damaging"; Align-GVGD: "Class C0"). In summary, the available evidence is currently insufficient to determine the role of this variant in disease. Therefore, it has been classified as a Variant of Uncertain Significance.